The following is an entry in ClinVar:

ClinVar aggregate classification (germline): Uncertain significance. Review status: criteria provided, multiple submitters, no conflicts (2 of 4 stars). 5 submissions from 5 submitters: Uncertain significance (5). Last evaluated 2025-03-19.

Conditions:
DDX41-related hematologic malignancy predisposition syndrome. Also called: DDX41-Associated Familial Myelodysplastic Syndrome and Acute Myeloid Leukemia; Myeloproliferative/lymphoproliferative neoplasms, familial (multiple types), susceptibility to. Identifiers: Orphanet 488647, MedGen C4225174, MONDO:0014809, OMIM 616871.
Inborn genetic diseases. Identifiers: MedGen C0950123, MeSH D030342.

Allele frequency attached by ClinVar (database versions not stated): ExAC 0.00001; TOPMed 0.00002; gnomAD 0.00004; gnomAD exomes 0.00004.

Submissions (5):

Ambry Genetics
Classification: Uncertain significance for Inborn genetic diseases. Last evaluated: 2025-03-19. Review status: criteria provided, single submitter. Criteria: Ambry Variant Classification Scheme 2023. Collection method: clinical testing. Allele origin: germline.
Comment: The p.A295T variant (also known as c.883G>A), located in coding exon 9 of the DDX41 gene, results from a G to A substitution at nucleotide position 883. The alanine at codon 295 is replaced by threonine, an amino acid with similar properties. This amino acid position is highly conserved in available vertebrate species. In addition, the in silico prediction for this alteration is inconclusive. Based on the available evidence, the clinical significance of this variant remains unclear.

Blueprint Genetics
Classification: Uncertain significance. Last evaluated: 2024-02-16. Review status: criteria provided, single submitter. Criteria: ACMG Guidelines, 2015. Collection method: clinical testing. Allele origin: germline.

Baylor Genetics
Classification: Uncertain significance for DDX41-related hematologic malignancy predisposition syndrome. Last evaluated: 2023-09-29. Review status: criteria provided, single submitter. Criteria: ACMG Guidelines, 2015. Collection method: clinical testing. Allele origin: unknown.

Labcorp Genetics (formerly Invitae), Labcorp
Classification: Uncertain significance. Last evaluated: 2023-07-29. Review status: criteria provided, single submitter. Criteria: Invitae Variant Classification Sherloc (09022015). Collection method: clinical testing. Allele origin: germline.
Comment: This variant is present in population databases (rs748680511, gnomAD 0.006%). This sequence change replaces alanine, which is neutral and non-polar, with threonine, which is neutral and polar, at codon 295 of the DDX41 protein (p.Ala295Thr). This missense change has been observed in individual(s) with acute myeloid leukemia (PMID: 35671390). In summary, the available evidence is currently insufficient to determine the role of this variant in disease. Therefore, it has been classified as a Variant of Uncertain Significance. An algorithm developed to predict the effect of missense changes on protein structure and function (PolyPhen-2) suggests that this variant is likely to be tolerated.

GeneDx
Classification: Uncertain significance. Last evaluated: 2023-07-24. Review status: criteria provided, single submitter. Criteria: GeneDx Variant Classification Process June 2021. Collection method: clinical testing. Allele origin: germline. Affected: yes.
Comment: Not observed at significant frequency in large population cohorts (gnomAD); In silico analysis supports that this missense variant does not alter protein structure/function; Identified via multi-gene panel testing in an individual with acute myeloid leukemia (Li et al., 2022); This variant is associated with the following publications: (PMID: 27721487, 35671390)

Literature cited by the submitters: PubMed 35671390 (cited by Labcorp Genetics (formerly Invitae), Labcorp).

NM_016222.4(DDX41):c.883G>A (p.Ala295Thr)

Gene: DDX41 (DEAD-box helicase 41; minus strand). Cytogenetic location: 5q35.3.
Variant type: single nucleotide variant.
Coding change: c.883G>A on transcript NM_016222.4 (MANE Select); coding-DNA position 883, G replaced by A.
Protein change: p.Ala295Thr; replaces alanine 295 with threonine.
Molecular consequence: missense variant.
Genome position (GRCh38, 1-based): chr5:177,514,753, C>T on the plus strand (G>A on the coding strand, the complement: DDX41 is on the minus strand). VCF-style: chr5-177514753-C-T. GRCh37 (hg19) VCF-style: chr5-176941754-C-T.
Other names: c.505G>A, p.Ala169Thr (NM_001321732.2, NM_001321830.2); c.883G>A (NM_016222.2); short protein forms A169T, A295T.
Identifiers: ClinVar variation 2674769 (VCV002674769.7), dbSNP rs748680511, ClinGen allele CA3584989.
Genomic context (GRCh38, chr5:177,514,753, plus strand): 5'-GCACTCACTGTCGGATGGTCTCCATCTGCTCTTTCACGGACATGCCCCCAATGCAGAGGG[C>T]GCAGCGCAGGAGTGGTGAGCTGTCCTCCTGCAGCAGGCGGCAGTAGTACTCCAGGATGCC-3'
Protein context (NP_057306.2, residues 285-305): QEDSSPLLRC[Ala295Thr]LCIGGMSVKE